The following is an entry in ClinVar:

ClinVar aggregate classification (germline): Pathogenic. Review status: criteria provided, multiple submitters, no conflicts (2 of 4 stars). 9 submissions from 8 submitters: Pathogenic (9). Last evaluated 2026-04-29.

Conditions:
Cardiovascular phenotype. Identifiers: MedGen CN230736.
Left ventricular noncompaction 10 (LVNC10). Identifiers: Orphanet 154, Orphanet 54260, MedGen C3715165, MONDO:0014163, OMIM 615396.
Primary familial hypertrophic cardiomyopathy (HCM). Identifiers: Orphanet 99739, MedGen C0949658, MeSH D024741, MONDO:0024573. Inheritance: Various modes of inheritance.
Hypertrophic cardiomyopathy 4. Also called: Familial hypertrophic cardiomyopathy 4. Identifiers: MedGen C1861862, MONDO:0007268, OMIM 115197.
Hypertrophic cardiomyopathy. Also called: HYPERTROPHIC MYOCARDIOPATHY. Identifiers: Orphanet 217569, MedGen C0007194, MeSH D002312, MONDO:0005045, HP:0001639.

Allele frequency attached by ClinVar (database versions not stated): gnomAD exomes below 0.00001.
gnomAD v4.1: 2 of 1,562,860 alleles (0.00013%); highest among the groups gnomAD compares: African/African-American, 0.0014%; no homozygotes.

Submissions (9):

Women's Health and Genetics/Laboratory Corporation of America, LabCorp
Classification: Pathogenic for Primary familial hypertrophic cardiomyopathy. Last evaluated: 2026-04-29. Review status: criteria provided, single submitter. Criteria: LabCorp Variant Classification Summary - May 2015. Collection method: clinical testing. Allele origin: germline.
Comment: Variant summary: MYBPC3 c.484C>T (p.Gln162X) results in a premature termination codon, predicted to cause a truncation of the encoded protein or absence of the protein due to nonsense mediated decay, which are commonly known mechanisms for disease. Loss-of-fucntion variants in this gene are known to be pathogenic. The frequency data for this variant in gnomAD is considered unreliable, as metrics indicate poor data quality at this position. c.484C>T has been observed in at least one individual affected with Hypertrophic Cardiomyopathy (Lopes_2013). This variant has also been observed in 4 out of 3267 individuals with Hypertrophic Cardiomyopathy in Atlas of Cardiac Genetic Variation database. To our knowledge, no experimental evidence demonstrating an impact on protein function has been reported. The following publication have been ascertained in the context of this evaluation (PMID: 23396983). ClinVar contains an entry for this variant (Variation ID: 181038). Based on the evidence outlined above, the variant was classified as pathogenic.

Clinical Biomedical Laboratory, Shriners Hospital For Children - Canada
Classification: Pathogenic for Left ventricular noncompaction 10. Last evaluated: 2026-03-10. Review status: criteria provided, single submitter. Criteria: ACMG Guidelines, 2015. Collection method: clinical testing. Allele origin: germline. Affected: yes.
Comment: This variant introduces a premature stop codon into MYBPC3. Premature stop codons are expected to lead to mRNA degradation and loss of function of the affected allele. In gnomAD v2.1.1 this variant is not present, indicating it is very rare. Based on the ACMG variant interpretation guidelines, the available evidence supports classification of this variant as pathogenic.

Labcorp Genetics (formerly Invitae), Labcorp
Classification: Pathogenic for Hypertrophic cardiomyopathy. Last evaluated: 2026-01-05. Review status: criteria provided, single submitter. Criteria: Invitae Variant Classification Sherloc (09022015). Collection method: clinical testing. Allele origin: germline.
Comment: This sequence change creates a premature translational stop signal (p.Gln162*) in the MYBPC3 gene. It is expected to result in an absent or disrupted protein product. Loss-of-function variants in MYBPC3 are known to be pathogenic (PMID: 19574547). This variant is not present in population databases (gnomAD no frequency). This premature translational stop signal has been observed in individual(s) with hypertrophic cardiomyopathy (PMID: 26914223, 27532257). ClinVar contains an entry for this variant (Variation ID: 181038). For these reasons, this variant has been classified as Pathogenic.

3billion
Classification: Pathogenic for Hypertrophic cardiomyopathy 4. Last evaluated: 2025-07-15. Review status: criteria provided, single submitter. Criteria: ACMG Guidelines, 2015. Collection method: clinical testing. Allele origin: germline. Affected: yes.
Comment: The variant is observed at an extremely low frequency in the gnomAD v4.1.0 dataset (total allele frequency: <0.001%). Predicted Consequence/Location: Stop-gained (nonsense): predicted to result in a loss or disruption of normal protein function through nonsense-mediated decay (NMD) or protein truncation. Multiple pathogenic variants are reported downstream of the variant. The variant has been reported at least twice as pathogenic with clinical assertions and evidence for the classification (ClinVar ID: VCV000181038 /3billion dataset). Therefore, this variant is classified as Pathogenic according to the recommendation of ACMG/AMP guideline.

Ambry Genetics
Classification: Pathogenic for Cardiovascular phenotype. Last evaluated: 2023-09-26. Review status: criteria provided, single submitter. Criteria: Ambry Variant Classification Scheme 2023. Collection method: clinical testing. Allele origin: germline.
Comment: The p.Q162* pathogenic mutation (also known as c.484C>T), located in coding exon 4 of the MYBPC3 gene, results from a C to T substitution at nucleotide position 484. This changes the amino acid from a glutamine to a stop codon within coding exon 4. This alteration has been reported in hypertrophic cardiomyopathy (HCM) cohorts (Lopes LR et al. J. Med. Genet., 2013 Apr;50:228-39; Murphy SL et al. J Cardiovasc Transl Res, 2016 Apr;9:153-61; Walsh R et al. Genet. Med., 2017 02;19:192-203). This variant is considered to be rare based on population cohorts in the Genome Aggregation Database (gnomAD). In addition to the clinical data presented in the literature, this alteration is expected to result in loss of function by premature protein truncation or nonsense-mediated mRNA decay. As such, this alteration is interpreted as a disease-causing mutation.

Baylor Genetics
Classification: Pathogenic for Left ventricular noncompaction 10. Last evaluated: 2023-02-13. Review status: criteria provided, single submitter. Criteria: ACMG Guidelines, 2015. Collection method: clinical testing. Allele origin: unknown.

Baylor Genetics
Classification: Pathogenic for Hypertrophic cardiomyopathy 4. Last evaluated: 2023-02-13. Review status: criteria provided, single submitter. Criteria: ACMG Guidelines, 2015. Collection method: clinical testing. Allele origin: unknown.

Victorian Clinical Genetics Services, Murdoch Childrens Research Institute
Classification: Pathogenic for Hypertrophic cardiomyopathy 4. Last evaluated: 2020-05-26. Review status: criteria provided, single submitter. Criteria: ACMG Guidelines, 2015. Collection method: clinical testing. Allele origin: germline. Affected: yes.
Comment: Based on the classification scheme VCGS_Germline_v1.1.1, this variant is classified as Pathogenic. Following criteria are met: 0102 - Loss-of-function is a known mechanism of disease for this gene. (N) 0108 - This gene is known to be associated with both recessive and dominant disease. (N) 0201 - Variant is located exon 4 of 35 and is predicted to cause nonsense-mediated decay (NMD) and loss of protein. (P) 0251 - Variant is heterozygous. (N) 0301 - Variant is absent from gnomAD. (P) 0701 - Comparable variants have very strong previous evidence for pathogenicity. Multiple NMD-predicted variants have previously been reported pathogenic in clinical cases (ClinVar). (P) 0801 - Strong previous evidence of pathogenicity in unrelated individuals. This variant has previously been reported in individuals with cardiomyopathy (ClinVar; PMID: 23396983; 26914223; 27532257). (P) 0905 - No segregation evidence has been identified for this variant. (N) 1007 - No published functional evidence has been identified for this variant. (N) 1208 - Inheritance information for this variant is not currently available. (N) Legend: (P) - Pathogenic, (N) - Neutral, (B) – Benign

Laboratory for Molecular Medicine, Mass General Brigham Personalized Medicine
Classification: Pathogenic for Hypertrophic cardiomyopathy. Last evaluated: 2011-01-27. Review status: criteria provided, single submitter. Criteria: ACMG Guidelines, 2015. Collection method: clinical testing. Allele origin: germline.
Comment: The Gln162X variant has not been reported in the literature and has been absent in over 1650 Caucasian probands (3300 chromosomes) tested by our laboratory. This low frequency increases the likelihood that this change is pathogenic. Futhermore, this variant leads to a premature stop codon at amino acid 162, which is predicted to lead to a truncated or absent protein. Loss of function variants are an established mechanism of disease for the MYBPC3 gene, which makes it highly likely that the Gln162X variant is pathogenic. Therefore, the Gln162X variant meets our criteria for pathogenicity and is highly likely to be disease causing.

Literature cited by the submitters: PubMed 23396983 (cited by 3 submitters); PubMed 19574547 (cited by Labcorp Genetics (formerly Invitae), Labcorp); PubMed 26914223 (cited by 3 submitters); PubMed 27532257 (cited by 3 submitters).

NM_000256.3(MYBPC3):c.484C>T (p.Gln162Ter)

Gene: MYBPC3 (myosin binding protein C3; minus strand). Cytogenetic location: 11p11.2.
Variant type: single nucleotide variant.
Coding change: c.484C>T on transcript NM_000256.3 (MANE Select); coding-DNA position 484, C replaced by T.
Protein change: p.Gln162Ter; replaces glutamine 162 with a stop codon.
Molecular consequence: nonsense.
Genome position (GRCh38, 1-based): chr11:47,350,035, G>A on the plus strand (C>T on the coding strand, the complement: MYBPC3 is on the minus strand). VCF-style: chr11-47350035-G-A. GRCh37 (hg19) VCF-style: chr11-47371586-G-A.
Other names: short protein forms Q162*.
Identifiers: ClinVar variation 181038 (VCV000181038.17), dbSNP rs730880618, ClinGen allele CA015236.